The following is an entry in ClinVar:

ClinVar aggregate classification (germline): Likely pathogenic (1 of 4 stars; one submission).

Conditions:
Hypophosphatasia. Also called: Phosphoethanol-aminuria. Identifiers: Orphanet 436, MedGen C0020630, MeSH D007014, MONDO:0018570.

gnomAD v4.1: 7 of 1,613,876 alleles (0.00043%); highest among the groups gnomAD compares: Non-Finnish European, 0.00059%; no homozygotes.

Submission:

Genomenon, Inc
Classification: Likely pathogenic for Hypophosphatasia. Last evaluated: 2026-09-01. Review status: criteria provided, single submitter. Criteria: Genomenon Sequence Variant Interpretation Standards - Updated. Collection method: curation. Allele origin: germline. Affected: yes.
Comment: ALPL p.Thr165Ile (c.494C>T) is a missense variant that changes the amino acid at codon 165 from Threonine to Isoleucine. This variant has not been reported in at least one proband with an ALPL-related disorder (PMID:32973344). At least one functional study has demonstrated a substantial alteration in protein function relative to the wild-type (PMID:32160374). It is absent or not present at a significant frequency in gnomAD. In silico models predict that this variant is possibly or probably damaging. In conclusion, we classify ALPL p.Thr165Ile (c.494C>T) as a likely pathogenic variant.

Literature cited by the submitters: PubMed 32973344; PubMed 32160374.

NM_000478.6(ALPL):c.494C>T (p.Thr165Ile)

Gene: ALPL (alkaline phosphatase, biomineralization associated; plus strand). Cytogenetic location: 1p36.12.
Variant type: single nucleotide variant.
Coding change: c.494C>T on transcript NM_000478.6 (MANE Select); coding-DNA position 494, C replaced by T.
Protein change: p.Thr165Ile; replaces threonine 165 with isoleucine.
Molecular consequence: missense variant.
Genome position (GRCh38, 1-based): chr1:21,564,062, C>T. VCF-style: chr1-21564062-C-T. GRCh37 (hg19) VCF-style: chr1-21890555-C-T.
Other names: c.329C>T, p.Thr110Ile (NM_001127501.4); c.263C>T, p.Thr88Ile (NM_001177520.3); c.494C>T, p.Thr165Ile (NM_001369803.2, NM_001369804.2, NM_001369805.2); short protein forms T110I, T165I, T88I.
Identifiers: ClinVar variation 4974805 (VCV004974805.1).